The following is an entry in ClinVar:

ClinVar aggregate classification (germline): Uncertain significance. Review status: criteria provided, multiple submitters, no conflicts (2 of 4 stars). 2 submissions from 2 submitters: Uncertain significance (2). Last evaluated 2025-05-17.

Conditions:
Inborn genetic diseases. Identifiers: MedGen C0950123, MeSH D030342.

Allele frequency attached by ClinVar (database versions not stated): gnomAD 0.00001; gnomAD exomes 0.00001; TOPMed 0.00001; ExAC 0.00002.
gnomAD v4.1: 13 of 1,614,042 alleles (0.00081%); highest among the groups gnomAD compares: South Asian, 0.0022%; no homozygotes.

Submissions (2):

Ambry Genetics
Classification: Uncertain significance for Inborn genetic diseases. Last evaluated: 2025-05-17. Review status: criteria provided, single submitter. Criteria: Ambry Variant Classification Scheme 2023. Collection method: clinical testing. Allele origin: germline.

Labcorp Genetics (formerly Invitae), Labcorp
Classification: Uncertain significance. Last evaluated: 2023-10-14. Review status: criteria provided, single submitter. Criteria: Invitae Variant Classification Sherloc (09022015). Collection method: clinical testing. Allele origin: germline.
Comment: This sequence change replaces glycine, which is neutral and non-polar, with serine, which is neutral and polar, at codon 226 of the CAPN5 protein (p.Gly226Ser). This variant is present in population databases (rs782553249, gnomAD 0.003%). This variant has not been reported in the literature in individuals affected with CAPN5-related conditions. ClinVar contains an entry for this variant (Variation ID: 1936093). Advanced modeling of protein sequence and biophysical properties (such as structural, functional, and spatial information, amino acid conservation, physicochemical variation, residue mobility, and thermodynamic stability) performed at Invitae indicates that this missense variant is not expected to disrupt CAPN5 protein function. In summary, the available evidence is currently insufficient to determine the role of this variant in disease. Therefore, it has been classified as a Variant of Uncertain Significance.

NM_004055.5(CAPN5):c.676G>A (p.Gly226Ser)

Gene: CAPN5 (calpain 5; plus strand). Cytogenetic location: 11q13.5.
Variant type: single nucleotide variant.
Coding change: c.676G>A on transcript NM_004055.5 (MANE Select); coding-DNA position 676, G replaced by A.
Protein change: p.Gly226Ser; replaces glycine 226 with serine.
Molecular consequence: missense variant.
Genome position (GRCh38, 1-based): chr11:77,114,411, G>A. VCF-style: chr11-77114411-G-A. GRCh37 (hg19) VCF-style: chr11-76825457-G-A.
Other names: c.676G>A (NM_004055.4); short protein forms G226S.
Identifiers: ClinVar variation 1936093 (VCV001936093.6), dbSNP rs782553249, ClinGen allele CA6196503.
Genomic context (GRCh38, chr11:77,114,411, plus strand): 5'-AACGATGAGACTAAGAGGAACCAGCTCTTTGAGCGCATGTTAAAGGTGCACAGCCGGGGC[G>A]GCCTCATCAGTGCCTCCATCAAGGTGAGAACACGGCAGTCCCCAGAGGCGACCCCTCCCC-3'
Protein context (NP_004046.2, residues 216-236): ERMLKVHSRG[Gly226Ser]LISASIKAVT